The following is an entry in ClinVar:

ClinVar aggregate classification (germline): Uncertain significance. Review status: criteria provided, multiple submitters, no conflicts (2 of 4 stars). 2 submissions from 2 submitters: Uncertain significance (2). Last evaluated 2024-10-28.

Allele frequency attached by ClinVar (database versions not stated): TOPMed 0.00001.
gnomAD v4.1: 3 of 1,245,924 alleles (0.00024%); highest among the groups gnomAD compares: Non-Finnish European, 0.0003%; no homozygotes.

Submissions (2):

Labcorp Genetics (formerly Invitae), Labcorp
Classification: Uncertain significance. Last evaluated: 2024-10-28. Review status: criteria provided, single submitter. Criteria: Invitae Variant Classification Sherloc (09022015). Collection method: clinical testing. Allele origin: germline.
Comment: This sequence change replaces proline, which is neutral and non-polar, with serine, which is neutral and polar, at codon 82 of the GATA5 protein (p.Pro82Ser). This variant is not present in population databases (gnomAD no frequency). This variant has not been reported in the literature in individuals affected with GATA5-related conditions. ClinVar contains an entry for this variant (Variation ID: 2081843). Invitae Evidence Modeling of protein sequence and biophysical properties (such as structural, functional, and spatial information, amino acid conservation, physicochemical variation, residue mobility, and thermodynamic stability) indicates that this missense variant is not expected to disrupt GATA5 protein function with a negative predictive value of 80%. In summary, the available evidence is currently insufficient to determine the role of this variant in disease. Therefore, it has been classified as a Variant of Uncertain Significance.

Ambry Genetics
Classification: Uncertain significance. Last evaluated: 2023-02-14. Review status: criteria provided, single submitter. Criteria: Ambry Variant Classification Scheme 2023. Collection method: clinical testing. Allele origin: germline.

NM_080473.5(GATA5):c.244C>T (p.Pro82Ser)

Gene: GATA5 (GATA binding protein 5; minus strand). Cytogenetic location: 20q13.33.
Variant type: single nucleotide variant.
Coding change: c.244C>T on transcript NM_080473.5 (MANE Select); coding-DNA position 244, C replaced by T.
Protein change: p.Pro82Ser; replaces proline 82 with serine.
Molecular consequence: missense variant.
Genome position (GRCh38, 1-based): chr20:62,475,278, G>A on the plus strand (C>T on the coding strand, the complement: GATA5 is on the minus strand). VCF-style: chr20-62475278-G-A. GRCh37 (hg19) VCF-style: chr20-61050334-G-A.
Other names: c.244C>T (NM_080473.4); short protein forms P82S.
Identifiers: ClinVar variation 2081843 (VCV002081843.6), dbSNP rs1396325756, ClinGen allele CA409557224.